The following is an entry in ClinVar:

ClinVar aggregate classification (germline): Pathogenic (1 of 4 stars; one submission).

Submission:

Labcorp Genetics (formerly Invitae), Labcorp
Classification: Pathogenic. Last evaluated: 2021-03-25. Review status: criteria provided, single submitter. Criteria: Invitae Variant Classification Sherloc (09022015). Collection method: clinical testing. Allele origin: germline.
Comment: For these reasons, this variant has been classified as Pathogenic. This variant disrupts the C-terminus of the HJV protein. Other variant(s) that disrupt this region (p.Arg385*) have been determined to be pathogenic (PMID: 14982873, 30389309). This suggests that variants that disrupt this region of the protein are likely to be causative of disease. This variant has not been reported in the literature in individuals with HJV-related conditions. This variant is not present in population databases (ExAC no frequency). This sequence change creates a premature translational stop signal (p.Asp146Thrfs*100) in the HJV gene. While this is not anticipated to result in nonsense mediated decay, it is expected to disrupt the last 281 amino acid(s) of the HJV protein.

Literature cited by the submitters: PubMed 14982873; PubMed 30389309.

NM_213653.4(HJV):c.436del (p.Asp146fs)

Gene: HJV (hemojuvelin BMP co-receptor; minus strand). Cytogenetic location: 1q21.1.
Variant type: Deletion.
Coding change: c.436del on transcript NM_213653.4 (MANE Select); coding-DNA position 436, one base deleted (G; older notation c.436delG).
Protein change: p.Asp146fs; shifts the reading frame from aspartic acid 146.
Molecular consequence: frameshift variant. On other transcripts: intron variant (3).
Genome position (GRCh38, 1-based): chr1:146,019,396, C deleted on the plus strand (G on the coding strand, the reverse complement: HJV is on the minus strand); the first of 2 consecutive C bases (chr1:146,019,396-146,019,397); deleting either gives the same sequence. VCF-style (leftmost placement, unchanged base first): chr1-146019395-TC-T. GRCh37 (hg19) VCF-style: chr1-145415615-CG-C.
Other names: c.436del, p.Asp146fs (NM_001379352.1); c.97del, p.Asp33fs (NM_145277.5); c.-21-696del (NM_213652.4); c.-22+302del (NM_202004.4, NM_001316767.2); short protein forms D146fs, D33fs.
Identifiers: ClinVar variation 1390285 (VCV001390285.8), dbSNP rs2101984593, ClinGen allele CA2573131058.
Genomic context (GRCh38, chr1:146,019,395, plus strand): 5'-TGCAAGAACCCCGGGGGACGACCATGCAGCCGGGAAAACCGGCCTTCATAGTCACAAGGG[TC>T]CGGGGCAGGGAGGCCGGAGCCCGCGCCTGGAAGGGCGGGGCCCCGGGGCGGGGGAGGGGC-3'